The following is an entry in ClinVar:

NM_000059.4(BRCA2):c.3134T>C (p.Val1045Ala)

Gene: BRCA2 (BRCA2 DNA repair associated; plus strand). Cytogenetic location: 13q13.1.
Variant type: single nucleotide variant.
Coding change: c.3134T>C on transcript NM_000059.4 (MANE Select); coding-DNA position 3134, T replaced by C.
Protein change: p.Val1045Ala; replaces valine 1045 with alanine.
Molecular consequence: missense variant.
Genome position (GRCh38, 1-based): chr13:32,337,489, T>C. VCF-style: chr13-32337489-T-C. GRCh37 (hg19) VCF-style: chr13-32911626-T-C.
Other names: short protein forms V1045A.
Identifiers: ClinVar variation 481557 (VCV000481557.12), dbSNP rs1555283061, ClinGen allele CA387775735.

ClinVar aggregate classification (germline): Conflicting classifications of pathogenicity. Review status: criteria provided, conflicting classifications (1 of 4 stars). 3 submissions from 3 submitters: Uncertain significance (2); Likely benign (1). Last evaluated 2023-03-23.

Conditions:
Hereditary cancer-predisposing syndrome. Also called: Neoplastic Syndromes, Hereditary; Tumor predisposition; Hereditary Cancer Syndrome; Hereditary neoplastic syndrome. Identifiers: Orphanet 140162, MedGen C0027672, MeSH D009386, MONDO:0015356.
Hereditary breast ovarian cancer syndrome. Also called: Hereditary breast and ovarian cancer syndrome; Hereditary breast and ovarian cancer; Hereditary breast and ovarian cancer syndrome (HBOC); Breast and ovarian cancer; Hereditary breast and/or ovarian cancer syndrome; BRCA1- and BRCA2-Associated Hereditary Breast and Ovarian Cancer. Identifiers: Orphanet 145, MedGen C0677776, MeSH D061325, MONDO:0003582. Disease mechanism: loss of function.

Submissions (3):

University of Washington Department of Laboratory Medicine, University of Washington
Classification: Likely benign for Hereditary cancer-predisposing syndrome. Last evaluated: 2023-03-23. Review status: criteria provided, single submitter. Criteria: Dines et al. (Genet Med. 2020). Collection method: curation. Allele origin: germline.
Comment: Missense variant in a coldspot region where missense variants are very unlikely to be pathogenic (PMID:31911673).

BRCA2 exon 11 coldspot. Reclassification based on statistical prior probability.

Labcorp Genetics (formerly Invitae), Labcorp
Classification: Uncertain significance for Hereditary breast ovarian cancer syndrome. Last evaluated: 2022-09-23. Review status: criteria provided, single submitter. Criteria: Invitae Variant Classification Sherloc (09022015). Collection method: clinical testing. Allele origin: germline.
Comment: This sequence change replaces valine, which is neutral and non-polar, with alanine, which is neutral and non-polar, at codon 1045 of the BRCA2 protein (p.Val1045Ala). This variant is not present in population databases (gnomAD no frequency). This variant has not been reported in the literature in individuals affected with BRCA2-related conditions. ClinVar contains an entry for this variant (Variation ID: 481557). Advanced modeling of protein sequence and biophysical properties (such as structural, functional, and spatial information, amino acid conservation, physicochemical variation, residue mobility, and thermodynamic stability) performed at Invitae indicates that this missense variant is not expected to disrupt BRCA2 protein function. In summary, the available evidence is currently insufficient to determine the role of this variant in disease. Therefore, it has been classified as a Variant of Uncertain Significance.

Ambry Genetics
Classification: Uncertain significance for Hereditary cancer-predisposing syndrome. Last evaluated: 2016-07-01. Review status: criteria provided, single submitter. Criteria: Ambry Variant Classification Scheme 2023. Collection method: clinical testing. Allele origin: germline.
Comment: The p.V1045A variant (also known as c.3134T>C), located in coding exon 10 of the BRCA2 gene, results from a T to C substitution at nucleotide position 3134. The valine at codon 1045 is replaced by alanine, an amino acid with similar properties. This variant was not reported in population based cohorts in the following databases: Database of Single Nucleotide Polymorphisms (dbSNP), NHLBI Exome Sequencing Project (ESP), and 1000 Genomes Project. In the ESP, this variant was not observed in 6500 samples (13000 alleles) with coverage at this position. To date, this alteration has been detected with an allele frequency of approximately 0.0003% (greater than 300000 alleles tested) in our clinical cohort. This amino acid position is not well conserved in available vertebrate species. In addition, this alteration is predicted to be tolerated by in silico analysis. Since supporting evidence is limited at this time, the clinical significance of this alteration remains unclear.